The following is an entry in ClinVar:

ClinVar aggregate classification (germline): Likely benign (1 of 4 stars; one submission).

Submission:

CeGaT Center for Human Genetics Tuebingen
Classification: Likely benign. Last evaluated: 2025-05-01. Review status: criteria provided, single submitter. Criteria: CeGaT Center For Human Genetics Tuebingen Variant Classification Criteria Version 2. Collection method: clinical testing. Allele origin: germline. Affected: yes. Observed: 1 variant allele.
Comment: FCGBP: PM2:Supporting, BP4, BP7

NM_003890.3(FCGBP):c.6264C>T (p.Phe2088=)

Gene: FCGBP (Fc gamma binding protein; minus strand). Cytogenetic location: 19q13.2.
Variant type: single nucleotide variant.
Coding change: c.6264C>T on transcript NM_003890.3 (MANE Select); coding-DNA position 6264, C replaced by T.
Protein change: p.Phe2088=; no amino-acid change (phenylalanine 2088 retained).
Molecular consequence: synonymous variant.
Identifiers: ClinVar variation 3905674 (VCV003905674.7).
Protein context (NP_003881.2, residues 2078-2098): PHYVTLDGHR[Phe2088=]NFQGTCEYLL